The following is an entry in ClinVar:

NM_015102.5(NPHP4):c.466C>T (p.His156Tyr)

Gene: NPHP4 (nephrocystin 4; minus strand). Cytogenetic location: 1p36.31.
Variant type: single nucleotide variant.
Coding change: c.466C>T on transcript NM_015102.5 (MANE Select); coding-DNA position 466, C replaced by T.
Protein change: p.His156Tyr; replaces histidine 156 with tyrosine.
Molecular consequence: missense variant. On other transcripts: 5 prime UTR variant (2), non-coding transcript variant (1).
Genome position (GRCh38, 1-based): chr1:5,967,350, G>A on the plus strand (C>T on the coding strand, the complement: NPHP4 is on the minus strand). VCF-style: chr1-5967350-G-A. GRCh37 (hg19) VCF-style: chr1-6027410-G-A.
Other names: c.-764C>T (NM_001291593.2); c.-901C>T (NM_001291594.2); short protein forms H156Y.
Identifiers: ClinVar variation 2077251 (VCV002077251.4), dbSNP rs2523666604, ClinGen allele CA338049528.

ClinVar aggregate classification (germline): Uncertain significance (1 of 4 stars; one submission).

Conditions:
Nephronophthisis. Also called: Juvenile Nephronophthisis. Identifiers: Orphanet 655, MedGen C0687120, MONDO:0019005, HP:0000090.

Submission:

Labcorp Genetics (formerly Invitae), Labcorp
Classification: Uncertain significance for Nephronophthisis. Last evaluated: 2022-09-07. Review status: criteria provided, single submitter. Criteria: Invitae Variant Classification Sherloc (09022015). Collection method: clinical testing. Allele origin: germline.
Comment: In summary, the available evidence is currently insufficient to determine the role of this variant in disease. Therefore, it has been classified as a Variant of Uncertain Significance. Algorithms developed to predict the effect of missense changes on protein structure and function output the following: SIFT: "Tolerated"; PolyPhen-2: "Benign"; Align-GVGD: "Class C0". The tyrosine amino acid residue is found in multiple mammalian species, which suggests that this missense change does not adversely affect protein function. This variant has not been reported in the literature in individuals affected with NPHP4-related conditions. This variant is not present in population databases (gnomAD no frequency). This sequence change replaces histidine, which is basic and polar, with tyrosine, which is neutral and polar, at codon 156 of the NPHP4 protein (p.His156Tyr).